The following is an entry in ClinVar:

ClinVar aggregate classification (germline): Conflicting classifications of pathogenicity. Review status: criteria provided, conflicting classifications (1 of 4 stars). 2 submissions from 2 submitters: Uncertain significance (1); Likely benign (1). Last evaluated 2026-07-27.

Conditions:
Cardiovascular phenotype. Identifiers: MedGen CN230736.

gnomAD v4.1: 6 of 1,613,964 alleles (0.00037%); highest among the groups gnomAD compares: East Asian, 0.0067%; no homozygotes.

Submissions (2):

GeneDx
Classification: Uncertain significance. Last evaluated: 2026-07-27. Review status: criteria provided, single submitter. Criteria: GeneDx Variant Classification Process June 2021. Collection method: clinical testing. Allele origin: germline.
Comment: Not observed at significant frequency in large population cohorts (gnomAD); In silico analysis suggests that this missense variant does not alter protein structure/function; Has not been previously published as pathogenic or benign to our knowledge

Ambry Genetics
Classification: Likely benign for Cardiovascular phenotype. Last evaluated: 2025-09-15. Review status: criteria provided, single submitter. Criteria: Ambry Variant Classification Scheme 2023. Collection method: clinical testing. Allele origin: germline.

NM_001378454.1(ALMS1):c.5408C>T (p.Ser1803Phe)

Gene: ALMS1 (ALMS1 centrosome and basal body associated protein; plus strand). Cytogenetic location: 2p13.1.
Variant type: single nucleotide variant.
Coding change: c.5408C>T on transcript NM_001378454.1 (MANE Select); coding-DNA position 5408, C replaced by T.
Protein change: p.Ser1803Phe; replaces serine 1803 with phenylalanine.
Molecular consequence: missense variant.
Genome position (GRCh38, 1-based): chr2:73,451,935, C>T. VCF-style: chr2-73451935-C-T. GRCh37 (hg19) VCF-style: chr2-73679062-C-T.
Other names: c.5411C>T, p.Ser1804Phe (NM_015120.4); short protein forms S1803F, S1804F.
Identifiers: ClinVar variation 3767629 (VCV003767629.3).